The following is an entry in ClinVar:

NM_000052.7(ATP7A):c.1005A>G (p.Ile335Met)

Gene: ATP7A (ATPase copper transporting alpha; plus strand). Cytogenetic location: Xq21.1.
Variant type: single nucleotide variant.
Coding change: c.1005A>G on transcript NM_000052.7 (MANE Select); coding-DNA position 1005, A replaced by G.
Protein change: p.Ile335Met; replaces isoleucine 335 with methionine.
Molecular consequence: missense variant.
Genome position (GRCh38, 1-based): chrX:77,989,627, A>G. VCF-style: chrX-77989627-A-G. GRCh37 (hg19) VCF-style: chrX-77245123-A-G.
Other names: c.1005A>G, p.Ile335Met (NM_001282224.2); c.1005A>G (NM_000052.4); short protein forms I335M.
Identifiers: ClinVar variation 1053088 (VCV001053088.7), dbSNP rs2149083240, ClinGen allele CA413601607.

ClinVar aggregate classification (germline): Uncertain significance. Review status: criteria provided, multiple submitters, no conflicts (2 of 4 stars). 3 submissions from 3 submitters: Uncertain significance (3). Last evaluated 2024-12-18.

Conditions:
Menkes kinky-hair syndrome (MNK). Also called: Copper transport disease; Classic Menkes Disease; Menkes Disease. Identifiers: Orphanet 565, MedGen C0022716, MONDO:0010651, OMIM 309400.
Cutis laxa, X-linked (OHS). Also called: EDS IX; Occipital horn syndrome. Identifiers: Orphanet 198, MedGen C0268353, MONDO:0010572, OMIM 304150.
X-linked distal spinal muscular atrophy type 3. Also called: SPINAL MUSCULAR ATROPHY, DISTAL, X-LINKED RECESSIVE; ATP7A-Related Distal Motor Neuropathy; NEURONOPATHY, DISTAL HEREDITARY MOTOR, X-LINKED; NEUROPATHY, DISTAL HEREDITARY MOTOR, X-LINKED. Identifiers: Orphanet 139557, MedGen C1845359, MONDO:0010338, OMIM 300489.
Inborn genetic diseases. Identifiers: MedGen C0950123, MeSH D030342.

gnomAD v4.1: 6 of 1,211,985 alleles (0.0005%); highest among the groups gnomAD compares: Middle Eastern, 0.092%; 1 homozygote.

Submissions (3):

GeneDx
Classification: Uncertain significance. Last evaluated: 2024-12-18. Review status: criteria provided, single submitter. Criteria: GeneDx Variant Classification Process June 2021. Collection method: clinical testing. Allele origin: germline. Affected: yes.
Comment: Not observed at significant frequency in large population cohorts (gnomAD); In silico analysis indicates that this missense variant does not alter protein structure/function; Has not been previously published as pathogenic or benign to our knowledge

Labcorp Genetics (formerly Invitae), Labcorp
Classification: Uncertain significance for X-linked distal spinal muscular atrophy type 3; Cutis laxa, X-linked; Menkes kinky-hair syndrome. Last evaluated: 2024-11-27. Review status: criteria provided, single submitter. Criteria: Invitae Variant Classification Sherloc (09022015). Collection method: clinical testing. Allele origin: germline.
Comment: This sequence change replaces isoleucine, which is neutral and non-polar, with methionine, which is neutral and non-polar, at codon 335 of the ATP7A protein (p.Ile335Met). This variant is not present in population databases (gnomAD no frequency). This variant has not been reported in the literature in individuals affected with ATP7A-related conditions. ClinVar contains an entry for this variant (Variation ID: 1053088). Invitae Evidence Modeling of protein sequence and biophysical properties (such as structural, functional, and spatial information, amino acid conservation, physicochemical variation, residue mobility, and thermodynamic stability) indicates that this missense variant is not expected to disrupt ATP7A protein function with a negative predictive value of 95%. In summary, the available evidence is currently insufficient to determine the role of this variant in disease. Therefore, it has been classified as a Variant of Uncertain Significance.

Ambry Genetics
Classification: Uncertain significance for Inborn genetic diseases. Last evaluated: 2023-08-28. Review status: criteria provided, single submitter. Criteria: Ambry Variant Classification Scheme 2023. Collection method: clinical testing. Allele origin: germline.